The following is an entry in ClinVar:

ClinVar aggregate classification (germline): Uncertain significance (1 of 4 stars; one submission).

Conditions:
Charcot-Marie-Tooth disease axonal type 2C (HMSN2C). Also called: CHARCOT-MARIE-TOOTH DISEASE, AXONAL, AUTOSOMAL DOMINANT, TYPE 2C; Charcot-Marie-Tooth Neuropathy Type 2C; Charcot-Marie-Tooth Disease Type 2, TRPV4-Related (CMT2C). Identifiers: Orphanet 99937, MedGen C1853710, MONDO:0011633, OMIM 606071.

gnomAD v4.1: 10 of 1,610,396 alleles (0.00062%); highest among the groups gnomAD compares: African/African-American, 0.0013%; no homozygotes.

Submission:

Labcorp Genetics (formerly Invitae), Labcorp
Classification: Uncertain significance for Charcot-Marie-Tooth disease axonal type 2C. Last evaluated: 2024-07-11. Review status: criteria provided, single submitter. Criteria: Invitae Variant Classification Sherloc (09022015). Collection method: clinical testing. Allele origin: germline.
Comment: This sequence change replaces threonine, which is neutral and polar, with methionine, which is neutral and non-polar, at codon 517 of the TRPV4 protein (p.Thr517Met). The frequency data for this variant in the population databases is considered unreliable, as metrics indicate poor data quality at this position in the gnomAD database. This variant has not been reported in the literature in individuals affected with TRPV4-related conditions. Advanced modeling of protein sequence and biophysical properties (such as structural, functional, and spatial information, amino acid conservation, physicochemical variation, residue mobility, and thermodynamic stability) has been performed at Invitae for this missense variant, however the output from this modeling did not meet the statistical confidence thresholds required to predict the impact of this variant on TRPV4 protein function. In summary, the available evidence is currently insufficient to determine the role of this variant in disease. Therefore, it has been classified as a Variant of Uncertain Significance.

NM_021625.5(TRPV4):c.1550C>T (p.Thr517Met)

Gene: TRPV4 (transient receptor potential cation channel subfamily V member 4; minus strand). Cytogenetic location: 12q24.11.
Variant type: single nucleotide variant.
Coding change: c.1550C>T on transcript NM_021625.5 (MANE Select); coding-DNA position 1550, C replaced by T.
Protein change: p.Thr517Met; replaces threonine 517 with methionine.
Molecular consequence: missense variant.
Genome position (GRCh38, 1-based): chr12:109,793,964, G>A on the plus strand (C>T on the coding strand, the complement: TRPV4 is on the minus strand). VCF-style: chr12-109793964-G-A. GRCh37 (hg19) VCF-style: chr12-110231769-G-A.
Other names: c.1409C>T, p.Thr470Met (NM_001177428.2); c.1448C>T, p.Thr483Met (NM_001177431.2); c.1229C>T, p.Thr410Met (NM_001177433.2); c.1370C>T, p.Thr457Met (NM_147204.3); short protein forms T410M, T457M, T470M, T483M, T517M.
Identifiers: ClinVar variation 3628576 (VCV003628576.2).
Genomic context (GRCh38, chr12:109,793,964, plus strand): 5'-GGGGGGCACGGGGGCCAGGCACTTACGTTGGTGAAGAAGAACAGGACCCCAGTGAAGAGC[G>A]TAATGACCTCGCCAGCCAGCCGCAGGTAGTCCACCGTGGTGCGGTAAGGGTACGGCGGCT-3'
Protein context (NP_067638.3, residues 507-527): DYLRLAGEVI[Thr517Met]LFTGVLFFFT